The following is an entry in ClinVar:

ClinVar aggregate classification (germline): Pathogenic (1 of 4 stars; one submission).

Submission:

Labcorp Genetics (formerly Invitae), Labcorp
Classification: Pathogenic. Last evaluated: 2021-11-06. Review status: criteria provided, single submitter. Criteria: Invitae Variant Classification Sherloc (09022015). Collection method: clinical testing. Allele origin: germline.
Comment: This sequence change creates a premature translational stop signal (p.Lys622Asnfs*15) in the MERTK gene. It is expected to result in an absent or disrupted protein product. Loss-of-function variants in MERTK are known to be pathogenic (PMID: 24265693, 29659094). This variant is not present in population databases (gnomAD no frequency). This variant has not been reported in the literature in individuals affected with MERTK-related conditions. For these reasons, this variant has been classified as Pathogenic.

Literature cited by the submitters: PubMed 24265693; PubMed 29659094.

NM_006343.3(MERTK):c.1867+2_1867+3del

Gene: MERTK (MER proto-oncogene, tyrosine kinase; plus strand). Cytogenetic location: 2q13.
Variant type: Microsatellite.
Coding change: c.1867+2_1867+3del on transcript NM_006343.3 (MANE Select); the canonical splice donor site of the intron after coding-DNA position 1867 through 3 bases into the intron after coding-DNA position 1867, 2 bases deleted (TG; older notation c.1867+2_1867+3delTG).
Molecular consequence: splice donor variant.
Genome position (GRCh38, 1-based): chr2:112,003,986-112,003,987, TG deleted; deleting any 2 consecutive bases within chr2:112,003,983-112,003,987 gives the same sequence; the c. name uses the placement nearest the transcript's 3' end. VCF-style (leftmost placement, unchanged base first): chr2-112003982-AGT-A. GRCh37 (hg19) VCF-style: chr2-112761559-AGT-A.
Identifiers: ClinVar variation 1457061 (VCV001457061.6), dbSNP rs2104407571, ClinGen allele CA2580611688.